The following is an entry in ClinVar:

NM_024675.4(PALB2):c.2014G>C (p.Glu672Gln)

Gene: PALB2 (partner and localizer of BRCA2; minus strand). Cytogenetic location: 16p12.2.
Variant type: single nucleotide variant.
Coding change: c.2014G>C on transcript NM_024675.4 (MANE Select); coding-DNA position 2014, G replaced by C.
Protein change: p.Glu672Gln; replaces glutamic acid 672 with glutamine.
Molecular consequence: missense variant.
Genome position (GRCh38, 1-based): chr16:23,630,140, C>G on the plus strand (G>C on the coding strand, the complement: PALB2 is on the minus strand). VCF-style: chr16-23630140-C-G. GRCh37 (hg19) VCF-style: chr16-23641461-C-G.
Other names: p.E672Q:GAA>CAA; NP_078951.2:p.Glu672Gln; NM_024675.4(PALB2):c.2014G>C; short protein forms E672Q.
Identifiers: ClinVar variation 126630 (VCV000126630.65), dbSNP rs45532440, ClinGen allele CA151230.

ClinVar aggregate classification (germline): Benign. Review status: reviewed by expert panel (3 of 4 stars). 33 submissions from 33 submitters: Benign (1). 32 of the submissions do not count toward it. Last evaluated 2023-04-05.

Conditions:
Breast-ovarian cancer, familial, susceptibility to, 5 (BROVCA5). Identifiers: MedGen C5830615, MONDO:0957530, OMIM 620442.
PALB2-related cancer predisposition. Identifiers: MedGen CN377761, MONDO:0700272.
Hereditary cancer-predisposing syndrome. Also called: Hereditary neoplastic syndrome; Tumor predisposition; Neoplastic Syndromes, Hereditary; Hereditary Cancer Syndrome. Identifiers: Orphanet 140162, MedGen C0027672, MeSH D009386, MONDO:0015356.
Ovarian cancer. Also called: OVARIAN CANCER, SOMATIC. Identifiers: Orphanet 213500, MedGen C1140680, MONDO:0008170, OMIM 167000.
Familial cancer of breast. Also called: hereditary breast carcinoma; Hereditary breast cancer; BREAST CANCER, FAMILIAL. Identifiers: Orphanet 227535, MedGen C0346153, MONDO:0016419, OMIM 114480. Disease mechanism: loss of function.
Fanconi anemia complementation group N. Also called: PALB2-Related Fanconi Anemia. Identifiers: Orphanet 84, MedGen C1835817, MONDO:0012565, OMIM 610832. Disease mechanism: loss of function.
Pancreatic cancer, susceptibility to, 3. Identifiers: Orphanet 1333, MedGen C3150547, MONDO:0013236, OMIM 613348.
Hereditary breast ovarian cancer syndrome. Also called: Hereditary breast and ovarian cancer syndrome; Breast and ovarian cancer; Hereditary breast and ovarian cancer syndrome (HBOC); BRCA1- and BRCA2-Associated Hereditary Breast and Ovarian Cancer; Hereditary breast and ovarian cancer; Hereditary breast and/or ovarian cancer syndrome. Identifiers: Orphanet 145, MedGen C0677776, MeSH D061325, MONDO:0003582. Disease mechanism: loss of function.
Malignant tumor of breast. Also called: Malignant breast neoplasm; Cancer breast. Identifiers: MedGen C0006142, MONDO:0007254. Disease mechanism: loss of function.

Allele frequency attached by ClinVar (database versions not stated): 1000 Genomes Project 30x 0.01421; 1000 Genomes Project 0.01438; gnomAD 0.02119 and 0.02171; TOPMed 0.02237; ExAC 0.02239; gnomAD exomes 0.02277; ESP Exome Variant Server 0.02324.

Submissions 1 to 18 of 33:

ClinGen Hereditary Breast, Ovarian and Pancreatic Cancer Variant Curation Expert Panel, ClinGen
Classification: Benign for PALB2-related cancer predisposition. Last evaluated: 2023-04-05. Review status: reviewed by expert panel. Criteria: ClinGen HBOP VCEP ACMG Specifications PALB2 V1.0.0. Collection method: curation. Allele origin: germline. Inheritance: Autosomal dominant inheritance.
Comment: The c.2014G>C variant in PALB2 is a missense variant predicted to cause a substitution of a glutamic acid by glutamine at amino acid 672 (p.Glu672Gln). This variant has a gnomAD v2.1.1 filtering allele frequency of 0.02846 in non-Finnish European population, which is higher than the HBOP VCEP threshold (>0.001) for BA1, and therefore meets this criterion. This variant is functional in multiple protein assays (PMID: 31636395, PMID: 31757951, PMID: 33964450); however, due to a lack of known positive missense controls with known clinical impact, these assays do not meet the requirements for use by the HBOP VCEP. PALB2, in which the variant was identified, is defined by the HBOP VCEP as a gene for which primarily truncating variants are known to cause disease. In summary, this variant meets the criteria to be classified as benign for autosomal dominant hereditary breast and pancreatic cancer and autosomal recessive FANCN based on the ACMG/AMP criteria applied as specified by the HBOP VCEP. (BA1, BP1)

Labcorp Genetics (formerly Invitae), Labcorp
Classification: Benign for Familial cancer of breast. Last evaluated: 2026-02-04. Review status: criteria provided, single submitter. Criteria: Invitae Variant Classification Sherloc (09022015). Collection method: clinical testing. Allele origin: germline. Not counted in ClinVar's aggregate classification.

Mayo Clinic Laboratories, Mayo Clinic
Classification: Benign. Last evaluated: 2025-10-23. Review status: criteria provided, single submitter. Criteria: ACMG Guidelines, 2015. Collection method: clinical testing. Allele origin: germline. Observed: 66 variant alleles. Not counted in ClinVar's aggregate classification.
Comment: BA1, BP1

ARUP Laboratories, Molecular Genetics and Genomics, ARUP Laboratories
Classification: Benign. Last evaluated: 2025-07-30. Review status: criteria provided, single submitter. Criteria: ARUP Molecular Germline Variant Investigation Process 2024. Collection method: clinical testing. Allele origin: germline. Not counted in ClinVar's aggregate classification.

Center for Genomic Medicine, Rigshospitalet, Copenhagen University Hospital
Classification: Benign. Last evaluated: 2025-03-04. Review status: criteria provided, single submitter. Criteria: ACMG Guidelines, 2015. Collection method: clinical testing. Allele origin: germline. Not counted in ClinVar's aggregate classification.

Blueprint Genetics
Classification: Likely benign. Last evaluated: 2024-11-27. Review status: criteria provided, single submitter. Criteria: ACMG Guidelines, 2015. Collection method: clinical testing. Allele origin: germline. Not counted in ClinVar's aggregate classification.

KCCC/NGS Laboratory, Kuwait Cancer Control Center
Classification: Benign for Breast-ovarian cancer, familial, susceptibility to, 5. Last evaluated: 2023-07-07. Review status: criteria provided, single submitter. Criteria: ACMG Guidelines, 2015. Collection method: clinical testing. Allele origin: germline. Affected: yes. Not counted in ClinVar's aggregate classification.

Myriad Genetics, Inc.
Classification: Benign for Familial cancer of breast. Last evaluated: 2023-05-10. Review status: criteria provided, single submitter. Criteria: Myriad Autosomal Dominant, Autosomal Recessive and X-Linked Classification Criteria (2023). Collection method: clinical testing. Allele origin: unknown. Not counted in ClinVar's aggregate classification.
Comment: This variant is considered benign. This variant has been observed at a population frequency that is significantly greater than expected given the associated disease prevalence and penetrance.

Fulgent Genetics
Classification: Likely benign for Familial cancer of breast; Fanconi anemia complementation group N; Pancreatic cancer, susceptibility to, 3. Last evaluated: 2022-04-26. Review status: criteria provided, single submitter. Criteria: ACMG Guidelines, 2015. Collection method: clinical testing. Allele origin: unknown. Not counted in ClinVar's aggregate classification.

National Health Laboratory Service, Universitas Academic Hospital and University of the Free State
Classification: Benign for Hereditary breast ovarian cancer syndrome. Last evaluated: 2022-04-19. Review status: criteria provided, single submitter. Criteria: ACMG Guidelines, 2015. Collection method: clinical testing. Allele origin: germline. Affected: yes. Observed: 1 variant allele. Not counted in ClinVar's aggregate classification.

Laboratory of Molecular Epidemiology of Birth Defects, West China Second University Hospital, Sichuan University
Classification: Benign for Ovarian cancer. Last evaluated: 2022-01-01. Review status: criteria provided, single submitter. Criteria: ACMG Guidelines, 2015. Collection method: clinical testing. Allele origin: germline. Affected: yes. Not counted in ClinVar's aggregate classification.

Sema4
Classification: Benign for Hereditary cancer-predisposing syndrome. Last evaluated: 2020-03-01. Review status: criteria provided, single submitter. Criteria: Sema4 Curation Guidelines. Collection method: curation. Allele origin: germline. Not counted in ClinVar's aggregate classification.

Illumina Laboratory Services, Illumina
Classification: Benign for Fanconi anemia complementation group N. Last evaluated: 2018-03-06. Review status: criteria provided, single submitter. Criteria: ICSL Variant Classification Criteria 13 December 2019. Collection method: clinical testing. Allele origin: germline. Not counted in ClinVar's aggregate classification.
Comment: This variant was observed in the ICSL laboratory as part of a predisposition screen in an ostensibly healthy population. It had not been previously curated by ICSL or reported in the Human Gene Mutation Database (HGMD: prior to June 1st, 2018), and was therefore a candidate for classification through an automated scoring system. Utilizing variant allele frequency, disease prevalence and penetrance estimates, and inheritance mode, an automated score was calculated to assess if this variant is too frequent to cause the disease. Based on the score and internal cut-off values, a variant classified as benign is not then subjected to further curation. The score for this variant resulted in a classification of benign for this disease.

Laboratory for Molecular Medicine, Mass General Brigham Personalized Medicine
Classification: Likely benign. Last evaluated: 2016-03-29. Review status: criteria provided, single submitter. Criteria: LMM Criteria. Collection method: clinical testing. Allele origin: germline. Not counted in ClinVar's aggregate classification.
Comment: Variant identified in a genome or exome case(s) and assessed due to predicted null impact of the variant or pathogenic assertions in the literature or databases. Disclaimer: This variant has not undergone full assessment. The following are preliminary notes: Frequency in ESP (all): 302/12994=2.3%

Vantari Genetics
Classification: Benign for Hereditary cancer-predisposing syndrome. Last evaluated: 2015-10-26. Review status: criteria provided, single submitter. Criteria: ACMG Guidelines, 2015. Collection method: clinical testing. Allele origin: germline. Not counted in ClinVar's aggregate classification.

Cancer Genetics Laboratory, Peter MacCallum Cancer Centre
Classification: Likely benign for Familial cancer of breast. Last evaluated: 2015-06-01. Review status: criteria provided, single submitter. Criteria: Thompson et al. (Breast Cancer Res. 2015). Collection method: case-control. Allele origin: germline. Affected: yes and no. Observed: 255 variant alleles, 249 heterozygotes, 6 homozygotes. Not counted in ClinVar's aggregate classification.

Ambry Genetics
Classification: Benign for Hereditary cancer-predisposing syndrome. Last evaluated: 2014-11-19. Review status: criteria provided, single submitter. Criteria: Ambry Variant Classification Scheme 2023. Collection method: clinical testing. Allele origin: germline. Not counted in ClinVar's aggregate classification.

Color Diagnostics, LLC DBA Color Health
Classification: Benign for Hereditary cancer-predisposing syndrome. Last evaluated: 2014-11-18. Review status: criteria provided, single submitter. Criteria: ACMG Guidelines, 2015. Collection method: clinical testing. Allele origin: germline. Not counted in ClinVar's aggregate classification.